The following is an entry in ClinVar:

NM_030665.4(RAI1):c.4849C>T (p.Pro1617Ser)

Gene: RAI1 (retinoic acid induced 1; plus strand). Cytogenetic location: 17p11.2.
Variant type: single nucleotide variant.
Coding change: c.4849C>T on transcript NM_030665.4 (MANE Select); coding-DNA position 4849, C replaced by T.
Protein change: p.Pro1617Ser; replaces proline 1617 with serine.
Molecular consequence: missense variant.
Genome position (GRCh38, 1-based): chr17:17,797,797, C>T. VCF-style: chr17-17797797-C-T. GRCh37 (hg19) VCF-style: chr17-17701111-C-T.
Other names: short protein forms P1617S.
Identifiers: ClinVar variation 1032234 (VCV001032234.11), dbSNP rs767535015, ClinGen allele CA8419043.

ClinVar aggregate classification (germline): Conflicting classifications of pathogenicity. Review status: criteria provided, conflicting classifications (1 of 4 stars). 4 submissions from 4 submitters: Uncertain significance (1); Likely benign (2). 1 of the submissions does not count toward it. Last evaluated 2025-11-17.

Conditions:
Inborn genetic diseases. Identifiers: MedGen C0950123, MeSH D030342.
Smith-Magenis syndrome (SMS). Also called: CHROMOSOME 17p11.2 DELETION SYNDROME. Identifiers: Orphanet 819, MedGen C0795864, MONDO:0008434, OMIM 182290.
RAI1-related disorder. Also called: RAI1-related condition.

Allele frequency attached by ClinVar (database versions not stated): gnomAD exomes 0.00001; ExAC 0.00002; TOPMed 0.00002; gnomAD 0.00003 and 0.00004.
gnomAD v4.1: 27 of 1,613,950 alleles (0.0017%); highest among the groups gnomAD compares: Non-Finnish European, 0.0021%; no homozygotes.

Submissions (4):

Labcorp Genetics (formerly Invitae), Labcorp
Classification: Likely benign. Last evaluated: 2025-11-17. Review status: criteria provided, single submitter. Criteria: Invitae Variant Classification Sherloc (09022015). Collection method: clinical testing. Allele origin: germline.

Ambry Genetics
Classification: Likely benign for Inborn genetic diseases. Last evaluated: 2019-11-28. Review status: criteria provided, single submitter. Criteria: Ambry Variant Classification Scheme 2023. Collection method: clinical testing. Allele origin: germline.

Baylor Genetics
Classification: Uncertain significance for Smith-Magenis syndrome. Last evaluated: 2018-02-07. Review status: criteria provided, single submitter. Criteria: ACMG Guidelines, 2015. Collection method: clinical testing. Allele origin: unknown. Affected: yes.
Comment: This variant was determined to be of uncertain significance according to ACMG Guidelines, 2015 [PMID:25741868].

PreventionGenetics, part of Exact Sciences
Classification: Likely benign for RAI1-related condition. Last evaluated: 2024-03-13. Review status: no assertion criteria provided. Collection method: clinical testing. Allele origin: germline. Not counted in ClinVar's aggregate classification.
Comment: This variant is classified as likely benign based on ACMG/AMP sequence variant interpretation guidelines (Richards et al. 2015 PMID: 25741868, with internal and published modifications).